The following is an entry in ClinVar:

NM_007194.4(CHEK2):c.502A>T (p.Thr168Ser)

Gene: CHEK2 (checkpoint kinase 2; minus strand). Cytogenetic location: 22q12.1.
Variant type: single nucleotide variant.
Coding change: c.502A>T on transcript NM_007194.4 (MANE Select); coding-DNA position 502, A replaced by T.
Protein change: p.Thr168Ser; replaces threonine 168 with serine.
Molecular consequence: missense variant. On other transcripts: 5 prime UTR variant (2), intron variant (1).
Genome position (GRCh38, 1-based): chr22:28,725,067, T>A on the plus strand (A>T on the coding strand, the complement: CHEK2 is on the minus strand). VCF-style: chr22-28725067-T-A. GRCh37 (hg19) VCF-style: chr22-29121055-T-A.
Other names: c.631A>T, p.Thr211Ser (NM_001005735.3, NM_001438294.1); c.-276A>T (NM_001257387.3); c.-162A>T (NM_001437942.1); c.595A>T, p.Thr199Ser (NM_001438293.1, NM_001438295.1); c.502A>T, p.Thr168Ser (NM_145862.3); c.445-144A>T (NM_001349956.3); short protein forms T168S, T211S, T199S.
Identifiers: ClinVar variation 3674140 (VCV003674140.2).
Genomic context (GRCh38, chr22:28,725,067, plus strand): 5'-CAGAATTGTTATTCAAAGGACGGCGTTTTCCTTTCCCTACAAGCTCTGTATTTACAAAGG[T>A]TCCATTGCCACTGTGATCTTCTATGTATGCAATGTAAGAGTTTTTAGGACCCACTTCCTA-3'
Protein context (NP_009125.1, residues 158-178): AYIEDHSGNG[Thr168Ser]FVNTELVGKG

ClinVar aggregate classification (germline): Uncertain significance (1 of 4 stars; one submission).

Conditions:
Familial cancer of breast. Also called: Hereditary breast cancer; hereditary breast carcinoma; BREAST CANCER, FAMILIAL. Identifiers: Orphanet 227535, MedGen C0346153, MONDO:0016419, OMIM 114480. Disease mechanism: loss of function.

Submission:

Labcorp Genetics (formerly Invitae), Labcorp
Classification: Uncertain significance for Familial cancer of breast. Last evaluated: 2024-11-24. Review status: criteria provided, single submitter. Criteria: Invitae Variant Classification Sherloc (09022015). Collection method: clinical testing. Allele origin: germline.
Comment: This sequence change replaces threonine, which is neutral and polar, with serine, which is neutral and polar, at codon 168 of the CHEK2 protein (p.Thr168Ser). This variant is not present in population databases (gnomAD no frequency). This variant has not been reported in the literature in individuals affected with CHEK2-related conditions. An algorithm developed to predict the effect of missense changes on protein structure and function (PolyPhen-2) suggests that this variant is likely to be disruptive. In summary, the available evidence is currently insufficient to determine the role of this variant in disease. Therefore, it has been classified as a Variant of Uncertain Significance.